The following is an entry in ClinVar:

ClinVar aggregate classification (germline): Pathogenic/Likely pathogenic. Review status: criteria provided, multiple submitters, no conflicts (2 of 4 stars). 3 submissions from 3 submitters: Pathogenic (2); Likely pathogenic (1). Last evaluated 2024-11-22.

Conditions:
DNA ligase IV deficiency. Identifiers: Orphanet 99812, MedGen C1847827, MONDO:0011686, OMIM 606593.
Multiple myeloma (MM). Also called: Plasma cell myeloma; Multiple myeloma, somatic. Identifiers: Orphanet 29073, Orphanet 85443, MedGen C0026764, MeSH D009101, MONDO:0009693, OMIM 254500, HP:0006775.
LIG4-related disorder. Also called: LIG4-related condition; LIG4-related disorders. Identifiers: MedGen CN239380.

Allele frequency attached by ClinVar (database versions not stated): TOPMed below 0.00001; gnomAD 0.00001.
gnomAD v4.1: 19 of 1,613,522 alleles (0.0012%); highest among the groups gnomAD compares: South Asian, 0.013%; no homozygotes.

Submissions (3):

PreventionGenetics, part of Exact Sciences
Classification: Pathogenic for LIG4-related condition. Last evaluated: 2024-11-22. Review status: criteria provided, single submitter. Criteria: ACMG Guidelines, 2015. Collection method: clinical testing. Allele origin: germline.
Comment: The LIG4 c.877C>T variant is predicted to result in premature protein termination (p.Arg293*). This variant has been reported in the compound heterozygous state in an individual with severe combined Immunodeficiency (Soomann et al. 2024. PubMed ID: 38165471). This variant is reported in 0.013% of alleles in individuals of South Asian descent in gnomAD. Nonsense variants in LIG4 are expected to be pathogenic. This variant is interpreted as pathogenic.

Fulgent Genetics
Classification: Likely pathogenic for Multiple myeloma; DNA ligase IV deficiency. Last evaluated: 2024-03-07. Review status: criteria provided, single submitter. Criteria: ACMG Guidelines, 2015. Collection method: clinical testing. Allele origin: germline.

Labcorp Genetics (formerly Invitae), Labcorp
Classification: Pathogenic for DNA ligase IV deficiency. Last evaluated: 2023-11-08. Review status: criteria provided, single submitter. Criteria: Invitae Variant Classification Sherloc (09022015). Collection method: clinical testing. Allele origin: germline.
Comment: This sequence change creates a premature translational stop signal (p.Arg293*) in the LIG4 gene. While this is not anticipated to result in nonsense mediated decay, it is expected to disrupt the last 619 amino acid(s) of the LIG4 protein. This variant is present in population databases (no rsID available, gnomAD 0.01%). This variant has not been reported in the literature in individuals affected with LIG4-related conditions. This variant disrupts a region of the LIG4 protein in which other variant(s) (p.Arg814*) have been determined to be pathogenic (PMID: 11779494, 16088910, 25239263, 27063650). This suggests that this is a clinically significant region of the protein, and that variants that disrupt it are likely to be disease-causing. For these reasons, this variant has been classified as Pathogenic.

Literature cited by the submitters: PubMed 11779494 (cited by Labcorp Genetics (formerly Invitae), Labcorp); PubMed 16088910 (cited by Labcorp Genetics (formerly Invitae), Labcorp); PubMed 25239263 (cited by Labcorp Genetics (formerly Invitae), Labcorp); PubMed 27063650 (cited by Labcorp Genetics (formerly Invitae), Labcorp).

NM_206937.2(LIG4):c.877C>T (p.Arg293Ter)

Gene: LIG4 (DNA ligase 4; minus strand). Cytogenetic location: 13q33.3.
Variant type: single nucleotide variant.
Coding change: c.877C>T on transcript NM_206937.2 (MANE Select); coding-DNA position 877, C replaced by T.
Protein change: p.Arg293Ter; replaces arginine 293 with a stop codon.
Molecular consequence: nonsense.
Genome position (GRCh38, 1-based): chr13:108,210,392, G>A on the plus strand (C>T on the coding strand, the complement: LIG4 is on the minus strand). VCF-style: chr13-108210392-G-A. GRCh37 (hg19) VCF-style: chr13-108862740-G-A.
Other names: c.877C>T, p.Arg293Ter (NM_001098268.2, NM_001352598.2, NM_001352599.2 and 6 more transcripts); c.676C>T, p.Arg226Ter (NM_001330595.2); c.913C>T, p.Arg305Ter (NM_001352604.2); short protein forms R226*, R293*, R305*.
Identifiers: ClinVar variation 2852759 (VCV002852759.5), dbSNP rs948441067, ClinGen allele CA256182179.